The following is an entry in ClinVar:

NM_000465.4(BARD1):c.991C>T (p.Pro331Ser)

Gene: BARD1 (BRCA1 associated RING domain 1; minus strand). Cytogenetic location: 2q35.
Variant type: single nucleotide variant.
Coding change: c.991C>T on transcript NM_000465.4 (MANE Select); coding-DNA position 991, C replaced by T.
Protein change: p.Pro331Ser; replaces proline 331 with serine.
Molecular consequence: missense variant. On other transcripts: non-coding transcript variant (2), intron variant (3).
Genome position (GRCh38, 1-based): chr2:214,780,883, G>A on the plus strand (C>T on the coding strand, the complement: BARD1 is on the minus strand). VCF-style: chr2-214780883-G-A. GRCh37 (hg19) VCF-style: chr2-215645607-G-A.
Other names: c.934C>T, p.Pro312Ser (NM_001282543.2); c.159-28328C>T (NM_001282548.2); c.215+16178C>T (NM_001282545.2); c.364+11414C>T (NM_001282549.2); short protein forms P331S, P312S.
Identifiers: ClinVar variation 530073 (VCV000530073.9), dbSNP rs1553622313, ClinGen allele CA350454474.

ClinVar aggregate classification (germline): Uncertain significance (1 of 4 stars; one submission).

Conditions:
Familial cancer of breast. Also called: BREAST CANCER, FAMILIAL; Hereditary breast cancer; hereditary breast carcinoma. Identifiers: Orphanet 227535, MedGen C0346153, MONDO:0016419, OMIM 114480. Disease mechanism: loss of function.

Submission:

Labcorp Genetics (formerly Invitae), Labcorp
Classification: Uncertain significance for Familial cancer of breast. Last evaluated: 2017-12-24. Review status: criteria provided, single submitter. Criteria: Invitae Variant Classification Sherloc (09022015). Collection method: clinical testing. Allele origin: germline.
Comment: In summary, the available evidence is currently insufficient to determine the role of this variant in disease. Therefore, it has been classified as a Variant of Uncertain Significance. Algorithms developed to predict the effect of missense changes on protein structure and function output the following: SIFT: "Tolerated"; PolyPhen-2: "Benign"; Align-GVGD: "Class C0". The serine amino acid residue is found in multiple mammalian species, suggesting that this missense change does not adversely affect protein function. These predictions have not been confirmed by published functional studies and their clinical significance is uncertain. This variant has not been reported in the literature in individuals with BARD1-related disease. This variant is not present in population databases (ExAC no frequency). This sequence change replaces proline with serine at codon 331 of the BARD1 protein (p.Pro331Ser). The proline residue is moderately conserved and there is a moderate physicochemical difference between proline and serine.